The following is an entry in ClinVar:

NM_015978.3(TNNI3K):c.1839A>G (p.Leu613=)

Genes: FPGT-TNNI3K (FPGT-TNNI3K readthrough; plus strand), TNNI3K (TNNI3 interacting kinase; plus strand). Cytogenetic location: 1p31.1.
Variant type: single nucleotide variant.
Coding change: c.1839A>G on transcript NM_015978.3 (MANE Select); coding-DNA position 1839, A replaced by G.
Protein change: p.Leu613=; no amino-acid change (leucine 613 retained).
Molecular consequence: synonymous variant.
Genome position (GRCh38, 1-based): chr1:74,436,487, A>G. VCF-style: chr1-74436487-A-G. GRCh37 (hg19) VCF-style: chr1-74902171-A-G.
Other names: c.2142A>G, p.Leu714= (NM_001112808.3, NM_001199327.2).
Identifiers: ClinVar variation 1328082 (VCV001328082.15), dbSNP rs45502596, ClinGen allele CA909464.
Genomic context (GRCh38, chr1:74,436,487, plus strand): 5'-GTTTTAAGATATTTCCTTTGACGTGATTTATTTTCTCTTTCCCTCAGAATCAAGATTTCT[A>G]CAGTCTCTGGATGAAGACAACATGACAAAACAACCTGGGGTTTGCTGCTGCTTGTGTTTC-3'
Protein context (NP_057062.1, residues 603-623): VVADFGESRF[Leu613=]QSLDEDNMTK

ClinVar aggregate classification (germline): Benign/Likely benign. Review status: criteria provided, multiple submitters, no conflicts (2 of 4 stars). 6 submissions from 6 submitters: Benign (2); Likely benign (1). 3 of the submissions do not count toward it. Last evaluated 2026-01-26.

Conditions:
TNNI3K-related disorder. Also called: TNNI3K-related condition.

Allele frequency attached by ClinVar (database versions not stated): gnomAD exomes 0.00013 and 0.00030; ExAC 0.00038; gnomAD 0.00129 and 0.00138; ESP Exome Variant Server 0.00138; 1000 Genomes Project 0.00140; TOPMed 0.00141; 1000 Genomes Project 30x 0.00156.
gnomAD v4.1: 385 of 1,584,402 alleles (0.024%); highest among the groups gnomAD compares: African/African-American, 0.47%; 1 homozygote.

Submissions (6):

Labcorp Genetics (formerly Invitae), Labcorp
Classification: Benign. Last evaluated: 2026-01-26. Review status: criteria provided, single submitter. Criteria: Invitae Variant Classification Sherloc (09022015). Collection method: clinical testing. Allele origin: germline.

Molecular Diagnostic Laboratory for Inherited Cardiovascular Disease, Montreal Heart Institute
Classification: Benign. Last evaluated: 2025-04-09. Review status: criteria provided, single submitter. Criteria: ACMG Guidelines, 2015. Collection method: clinical testing. Allele origin: germline. Affected: no.

Blueprint Genetics
Classification: Likely benign. Last evaluated: 2024-06-11. Review status: criteria provided, single submitter. Criteria: ACMG Guidelines, 2015. Collection method: clinical testing. Allele origin: germline.

PreventionGenetics, part of Exact Sciences
Classification: Likely benign for TNNI3K-related condition. Last evaluated: 2019-07-16. Review status: no assertion criteria provided. Collection method: clinical testing. Allele origin: germline. Not counted in ClinVar's aggregate classification.
Comment: This variant is classified as likely benign based on ACMG/AMP sequence variant interpretation guidelines (Richards et al. 2015 PMID: 25741868, with internal and published modifications).

Clinical Genetics DNA and cytogenetics Diagnostics Lab, Erasmus MC, Erasmus Medical Center
Classification: Likely benign. Review status: no assertion criteria provided. Collection method: clinical testing. Allele origin: germline. Affected: yes. Study: VKGL Data-share Consensus. Not counted in ClinVar's aggregate classification.

Clinical Genetics, Academic Medical Center
Classification: Benign. Review status: no assertion criteria provided. Collection method: clinical testing. Allele origin: germline. Affected: yes. Study: VKGL Data-share Consensus. Not counted in ClinVar's aggregate classification.